The following is an entry in ClinVar:

ClinVar aggregate classification (germline): Uncertain significance (1 of 4 stars; one submission).

Conditions:
Tuberous sclerosis 1 (TSC1). Identifiers: Orphanet 805, MedGen C1854465, MONDO:0008612, OMIM 191100.

Submission:

Labcorp Genetics (formerly Invitae), Labcorp
Classification: Uncertain significance for Tuberous sclerosis 1. Last evaluated: 2023-07-29. Review status: criteria provided, single submitter. Criteria: Invitae Variant Classification Sherloc (09022015). Collection method: clinical testing. Allele origin: germline.
Comment: In summary, the available evidence is currently insufficient to determine the role of this variant in disease. Therefore, it has been classified as a Variant of Uncertain Significance. Algorithms developed to predict the effect of missense changes on protein structure and function output the following: SIFT: "Not Available"; PolyPhen-2: "Benign"; Align-GVGD: "Not Available". The serine amino acid residue is found in multiple mammalian species, which suggests that this missense change does not adversely affect protein function. This variant has not been reported in the literature in individuals affected with TSC1-related conditions. This variant is not present in population databases (gnomAD no frequency). This sequence change replaces leucine, which is neutral and non-polar, with serine, which is neutral and polar, at codon 667 of the TSC1 protein (p.Leu667Ser).

NM_000368.5(TSC1):c.2000T>C (p.Leu667Ser)

Gene: TSC1 (TSC complex subunit 1; minus strand). Cytogenetic location: 9q34.13.
Variant type: single nucleotide variant.
Coding change: c.2000T>C on transcript NM_000368.5 (MANE Select); coding-DNA position 2000, T replaced by C.
Protein change: p.Leu667Ser; replaces leucine 667 with serine.
Molecular consequence: missense variant. On other transcripts: non-coding transcript variant (5).
Genome position (GRCh38, 1-based): chr9:132,904,452, A>G on the plus strand (T>C on the coding strand, the complement: TSC1 is on the minus strand). VCF-style: chr9-132904452-A-G. GRCh37 (hg19) VCF-style: chr9-135779839-A-G.
Other names: c.1844T>C, p.Leu615Ser (NM_001406612.1, NM_001406613.1, NM_001406611.1); c.1637T>C, p.Leu546Ser (NM_001406614.1, NM_001406615.1, NM_001406616.1 and 5 more transcripts); c.1634T>C, p.Leu545Ser (NM_001406620.1, NM_001406621.1, NM_001406622.1 and 2 more transcripts); c.1997T>C, p.Leu666Ser (NM_001406603.1, NM_001406604.1, NM_001406608.1 and 6 more transcripts); c.2000T>C, p.Leu667Ser (NM_001406605.1, NM_001406606.1, NM_001406607.1 and 7 more transcripts); c.1847T>C, p.Leu616Ser (NM_001406610.1, NM_001162427.2); c.1049T>C, p.Leu350Ser (NM_001406626.1); c.1046T>C, p.Leu349Ser (NM_001406627.1, NM_001406628.1); and 1 more; short protein forms L545S, L667S, L350S, L546S, L616S, L316S, L349S, L615S.
Identifiers: ClinVar variation 2748202 (VCV002748202.3), dbSNP rs2538678927, ClinGen allele CA375361517.